The following is an entry in ClinVar:

NM_014243.3(ADAMTS3):c.1254G>A (p.Glu418=)

Gene: ADAMTS3 (ADAM metallopeptidase with thrombospondin type 1 motif 3; minus strand). Cytogenetic location: 4q13.3.
Variant type: single nucleotide variant.
Coding change: c.1254G>A on transcript NM_014243.3 (MANE Select); coding-DNA position 1254, G replaced by A.
Protein change: p.Glu418=; no amino-acid change (glutamic acid 418 retained).
Molecular consequence: synonymous variant.
Genome position (GRCh38, 1-based): chr4:72,319,430, C>T on the plus strand (G>A on the coding strand, the complement: ADAMTS3 is on the minus strand). VCF-style: chr4-72319430-C-T. GRCh37 (hg19) VCF-style: chr4-73185147-C-T.
Identifiers: ClinVar variation 785095 (VCV000785095.7), dbSNP rs35860396, ClinGen allele CA2957010.

ClinVar aggregate classification (germline): Benign. Review status: criteria provided, multiple submitters, no conflicts (2 of 4 stars). 3 submissions from 3 submitters: Benign (2). 1 of the submissions does not count toward it. Last evaluated 2019-12-31.

Conditions:
ADAMTS3-related disorder. Also called: ADAMTS3-related condition.

Allele frequency attached by ClinVar (database versions not stated): gnomAD 0.02772 and 0.02971; TOPMed 0.03069; 1000 Genomes Project 30x 0.03014; ESP Exome Variant Server 0.03076; gnomAD exomes 0.00301 and 0.00709; ExAC 0.00899; 1000 Genomes Project 0.02815.
gnomAD v4.1: 8,790 of 1,613,940 alleles (0.54%); highest among the groups gnomAD compares: African/African-American, 9.8%; 379 homozygotes.

Submissions (3):

Labcorp Genetics (formerly Invitae), Labcorp
Classification: Benign. Last evaluated: 2019-12-31. Review status: criteria provided, single submitter. Criteria: Invitae Variant Classification Sherloc (09022015). Collection method: clinical testing. Allele origin: germline.

Breakthrough Genomics
Classification: Benign. Review status: criteria provided, single submitter. Criteria: ACMG Guidelines, 2015. Collection method: not provided. Allele origin: germline. Inheritance: Autosomal recessive inheritance. Affected: yes.

PreventionGenetics, part of Exact Sciences
Classification: Benign for ADAMTS3-related condition. Last evaluated: 2019-04-01. Review status: no assertion criteria provided. Collection method: clinical testing. Allele origin: germline. Not counted in ClinVar's aggregate classification.
Comment: This variant is classified as benign based on ACMG/AMP sequence variant interpretation guidelines (Richards et al. 2015 PMID: 25741868, with internal and published modifications).